The following is an entry in ClinVar:

NM_000179.3(MSH6):c.1102_1162dup (p.His388delinsArgAsnPheArgMetAlaTer)

Gene: MSH6 (mutS homolog 6; plus strand). Cytogenetic location: 2p16.3.
Variant type: Duplication.
Coding change: c.1102_1162dup on transcript NM_000179.3 (MANE Select); coding-DNA positions 1102 to 1162, 61 bases duplicated.
Protein change: p.His388delinsArgAsnPheArgMetAlaTer.
Molecular consequence: nonsense.
Genome position (GRCh38, 1-based): chr2:47,799,085-47,799,145, 61 bases duplicated. GRCh37 (hg19): chr2:48,026,224-48,026,284.
Other names: c.712_772dup, p.His258delinsArgAsnPheArgMetAlaTer (NM_001281492.2); c.196_256dup, p.His86delinsArgAsnPheArgMetAlaTer (NM_001281493.2, NM_001281494.2); c.1102_1162dupGAAACTTTAGAATGGCTTAAGGAGGAAAAGAGAAGAGATGAGCACAGGAGGAGGCCTGATC (NM_000179.2).
Identifiers: ClinVar variation 525833 (VCV000525833.9), dbSNP rs1553412502, ClinGen allele CA658795737.

ClinVar aggregate classification (germline): Pathogenic. Review status: criteria provided, multiple submitters, no conflicts (2 of 4 stars). 3 submissions from 3 submitters: Pathogenic (3). Last evaluated 2026-02-18.

Conditions:
Hereditary nonpolyposis colorectal neoplasms. Identifiers: MedGen C0009405, MeSH D003123.
Hereditary cancer-predisposing syndrome. Also called: Tumor predisposition; Hereditary Cancer Syndrome; Neoplastic Syndromes, Hereditary; Hereditary neoplastic syndrome. Identifiers: Orphanet 140162, MedGen C0027672, MeSH D009386, MONDO:0015356.
Lynch syndrome 5 (LYNCH5). Also called: Colorectal cancer, hereditary nonpolyposis, type 5; Hereditary non-polyposis colorectal cancer, type 5. Identifiers: Orphanet 144, MedGen C1833477, MONDO:0013710, OMIM 614350. Disease mechanism: loss of function.

Submissions (3):

Ambry Genetics
Classification: Pathogenic for Hereditary cancer-predisposing syndrome. Last evaluated: 2026-02-18. Review status: criteria provided, single submitter. Criteria: Ambry Variant Classification Scheme 2023. Collection method: clinical testing. Allele origin: germline.
Comment: The c.1102_1162dup61 pathogenic mutation, located in coding exon 4 of the MSH6 gene, results from a duplication of GAAACTTTAGAATGGCTTAAGGAGGAAAAGAGAAGAGATGAGCACAGGAGGAGGCCTGATC at nucleotide position 1102, causing a translational frameshift with a predicted alternate stop codon (p.H388Rfs*7). This variant is considered to be rare based on population cohorts in the Genome Aggregation Database (gnomAD). This alteration is expected to result in loss of function by premature protein truncation or nonsense-mediated mRNA decay. As such, this alteration is interpreted as a disease-causing mutation.

Myriad Genetics, Inc.
Classification: Pathogenic for Lynch syndrome 5. Last evaluated: 2023-08-11. Review status: criteria provided, single submitter. Criteria: Myriad Autosomal Dominant, Autosomal Recessive and X-Linked Classification Criteria (2023). Collection method: clinical testing. Allele origin: unknown.
Comment: This variant is considered pathogenic. This variant creates a frameshift predicted to result in premature protein truncation.

Labcorp Genetics (formerly Invitae), Labcorp
Classification: Pathogenic for Hereditary nonpolyposis colorectal neoplasms. Last evaluated: 2023-06-23. Review status: criteria provided, single submitter. Criteria: Invitae Variant Classification Sherloc (09022015). Collection method: clinical testing. Allele origin: germline.
Comment: This sequence change creates a premature translational stop signal (p.His388Argfs*7) in the MSH6 gene. It is expected to result in an absent or disrupted protein product. Loss-of-function variants in MSH6 are known to be pathogenic (PMID: 18269114, 24362816). This variant is not present in population databases (gnomAD no frequency). This variant has not been reported in the literature in individuals affected with MSH6-related conditions. ClinVar contains an entry for this variant (Variation ID: 525833). For these reasons, this variant has been classified as Pathogenic.

Literature cited by the submitters: PubMed 18269114 (cited by Labcorp Genetics (formerly Invitae), Labcorp); PubMed 24362816 (cited by Labcorp Genetics (formerly Invitae), Labcorp).